The following is an entry in ClinVar:

ClinVar aggregate classification (germline): Uncertain significance (1 of 4 stars; one submission).

Conditions:
Oculofaciocardiodental syndrome (MCOPS2). Identifiers: Orphanet 2712, MedGen C1846265, MONDO:0010261, OMIM 300166.

gnomAD v4.1: 16 of 1,211,197 alleles (0.0013%); highest among the groups gnomAD compares: Non-Finnish European, 0.0015%; no homozygotes.

Submission:

Labcorp Genetics (formerly Invitae), Labcorp
Classification: Uncertain significance for Oculofaciocardiodental syndrome. Last evaluated: 2024-02-16. Review status: criteria provided, single submitter. Criteria: Invitae Variant Classification Sherloc (09022015). Collection method: clinical testing. Allele origin: germline.
Comment: This sequence change replaces proline, which is neutral and non-polar, with serine, which is neutral and polar, at codon 592 of the BCOR protein (p.Pro592Ser). This variant is not present in population databases (gnomAD no frequency). This variant has not been reported in the literature in individuals affected with BCOR-related conditions. An algorithm developed to predict the effect of missense changes on protein structure and function (PolyPhen-2) suggests that this variant is likely to be tolerated. In summary, the available evidence is currently insufficient to determine the role of this variant in disease. Therefore, it has been classified as a Variant of Uncertain Significance.

NM_001123385.2(BCOR):c.1774C>T (p.Pro592Ser)

Gene: BCOR (BCL6 corepressor; minus strand). Cytogenetic location: Xp11.4.
Variant type: single nucleotide variant.
Coding change: c.1774C>T on transcript NM_001123385.2 (MANE Select); coding-DNA position 1774, C replaced by T.
Protein change: p.Pro592Ser; replaces proline 592 with serine.
Molecular consequence: missense variant.
Genome position (GRCh38, 1-based): chrX:40,073,572, G>A on the plus strand (C>T on the coding strand, the complement: BCOR is on the minus strand). VCF-style: chrX-40073572-G-A. GRCh37 (hg19) VCF-style: chrX-39932825-G-A.
Other names: c.1774C>T, p.Pro592Ser (NM_001123383.2, NM_001123384.2, NM_017745.6); short protein forms P592S.
Identifiers: ClinVar variation 3703282 (VCV003703282.2).